The following is an entry in ClinVar:

ClinVar aggregate classification (germline): Uncertain significance (1 of 4 stars; one submission).

Conditions:
Aicardi-Goutieres syndrome 5. Identifiers: Orphanet 51, MedGen C2749659, MONDO:0013059, OMIM 612952.

Submission:

Labcorp Genetics (formerly Invitae), Labcorp
Classification: Uncertain significance for Aicardi-Goutieres syndrome 5. Last evaluated: 2025-06-30. Review status: criteria provided, single submitter. Criteria: Invitae Variant Classification Sherloc (09022015). Collection method: clinical testing. Allele origin: germline.
Comment: This sequence change replaces cysteine, which is neutral and slightly polar, with tyrosine, which is neutral and polar, at codon 198 of the SAMHD1 protein (p.Cys198Tyr). This variant is not present in population databases (gnomAD no frequency). This variant has not been reported in the literature in individuals affected with SAMHD1-related conditions. Invitae Evidence Modeling of protein sequence and biophysical properties (such as structural, functional, and spatial information, amino acid conservation, physicochemical variation, residue mobility, and thermodynamic stability) indicates that this missense variant is expected to disrupt SAMHD1 protein function with a positive predictive value of 95%. In summary, the available evidence is currently insufficient to determine the role of this variant in disease. Therefore, it has been classified as a Variant of Uncertain Significance.

NM_015474.4(SAMHD1):c.593G>A (p.Cys198Tyr)

Gene: SAMHD1 (SAM and HD domain containing deoxynucleoside triphosphate triphosphohydrolase 1; minus strand). Cytogenetic location: 20q11.23.
Variant type: single nucleotide variant.
Coding change: c.593G>A on transcript NM_015474.4 (MANE Select); coding-DNA position 593, G replaced by A.
Protein change: p.Cys198Tyr; replaces cysteine 198 with tyrosine.
Molecular consequence: missense variant.
Genome position (GRCh38, 1-based): chr20:36,930,792, C>T on the plus strand (G>A on the coding strand, the complement: SAMHD1 is on the minus strand). VCF-style: chr20-36930792-C-T. GRCh37 (hg19) VCF-style: chr20-35559195-C-T.
Other names: c.593G>A, p.Cys198Tyr (NM_001363729.2, NM_001363733.2); short protein forms C198Y.
Identifiers: ClinVar variation 4807780 (VCV004807780.1).
Genomic context (GRCh38, chr20:36,930,792, plus strand): 5'-AACAACTTTGTCTCTTTGTACAGCTTACCGAGATCATGACAAAGTCCAGCAATCTGAACA[C>T]AGAGAACATCTCGTTCACTTATCTGCAGCTCTGGTTGTTTTTCACCCAGTGCGTGAACTA-3'
Protein context (NP_056289.2, residues 188-208): ELQISERDVL[Cys198Tyr]VQIAGLCHDL